The following is an entry in ClinVar:

ClinVar aggregate classification (germline): Pathogenic (1 of 4 stars; one submission).

Conditions:
Chromosome 16p12.1 deletion syndrome, 520kb. Also called: Chromosome 16p12.1 deletion syndrome, 520-kb; 16p12.2 recurrent deletion; 16p12.2 Microdeletion; Chromosome 16p12.1 deletion syndrome. Identifiers: MedGen C3149276, MONDO:0007631, OMIM 136570.

Submission:

Broad Center for Mendelian Genomics, Broad Institute of MIT and Harvard
Classification: Pathogenic for Chromosome 16p12.1 deletion syndrome, 520kb. Last evaluated: 2024-12-09. Review status: criteria provided, single submitter. Criteria: ACMG/ClinGen CNV Guidelines, 2019. Collection method: research. Allele origin: paternal. Inheritance: Autosomal unknown. Affected: yes. Study: GREGoR Consortium.
Comment: The patient phenotype is nonspecific, but is consistent with cases described in the literature. This deletion has complete overlap with the 16p12.2 recurrent region (proximal). It includes the genes EEF2K and CDR2, which both have emerging evidence for haploinsufficiency, and have been assessed by the ClinGen Dosage Sensitivity Working Group. In summary, this variant meets criteria to be classified as pathogenic for autosomal recessive chromosome 16p12.1 deletion syndrome. The ACMG/ClinGen evidence codes and points used in this curation are as follows: 1: 0 points, 2: 1 points, 3: 0 points, 4-5: 0 points; Total: 1 points; Riggs 2020 (PMID: 31690835).

GRCh38/hg38 16p12.2(chr16:21794000-22439486)x1

Genes: CDR2 (cerebellar degeneration related protein 2), CDR2-DT (CDR2 divergent transcript), EEF2K (eukaryotic elongation factor 2 kinase), MOSMO (modulator of smoothened), NPIPB4 (nuclear pore complex interacting protein family member B4) and 34 more. Cytogenetic location: 16p12.2.
Variant type: copy number loss.
Change: copy number 1 (one copy instead of two) of chr16:21,794,000-22,439,486 (645.5 kb, GRCh38 coordinates, 1-based), cytogenetic band 16p12.2.
Identifiers: ClinVar variation 3571460 (VCV003571460.1).